The following is an entry in ClinVar:

ClinVar aggregate classification (germline): Pathogenic. Review status: criteria provided, multiple submitters, no conflicts (2 of 4 stars). 2 submissions from 2 submitters: Pathogenic (2). Last evaluated 2023-08-29.

Conditions:
Mucopolysaccharidosis, MPS-IV-A (MPS4A). Also called: MPS IVA; mucopolysaccharidosis type 4A; Morquio syndrome A, mild; MORQUIO SYNDROME A; GALACTOSAMINE-6-SULFATASE DEFICIENCY; GALNS DEFICIENCY. Identifiers: Orphanet 309297, Orphanet 582, MedGen C0086651, MONDO:0009659, OMIM 253000.

Submissions (2):

Labcorp Genetics (formerly Invitae), Labcorp
Classification: Pathogenic for Mucopolysaccharidosis, MPS-IV-A. Last evaluated: 2023-08-29. Review status: criteria provided, single submitter. Criteria: Invitae Variant Classification Sherloc (09022015). Collection method: clinical testing. Allele origin: germline.
Comment: This variant is not present in population databases (gnomAD no frequency). This variant results in the deletion of part of exon 5 (c.423-11_425del) of the GALNS gene. It is expected to disrupt RNA splicing. Variants that disrupt the donor or acceptor splice site typically lead to a loss of protein function (PMID: 16199547), and loss-of-function variants in GALNS are known to be pathogenic (PMID: 12442278). For these reasons, this variant has been classified as Pathogenic. This variant disrupts a region of the GALNS protein in which other variant(s) (p.His142Leu) have been determined to be pathogenic (PMID: 20574428, 25252036, 25545067, 29731656, 30094185). This suggests that this is a clinically significant region of the protein, and that variants that disrupt it are likely to be disease-causing. ClinVar contains an entry for this variant (Variation ID: 2571592). This variant has not been reported in the literature in individuals affected with GALNS-related conditions.

Foundation for Research in Genetics and Endocrinology, FRIGE's Institute of Human Genetics
Classification: Pathogenic for Mucopolysaccharidosis, MPS-IV-A. Last evaluated: 2023-06-24. Review status: criteria provided, single submitter. Criteria: ACMG Guidelines, 2015. Collection method: clinical testing. Allele origin: germline. Inheritance: Autosomal recessive inheritance. Affected: yes. Observed: 1 homozygote.
Comment: A homozygous 14 base pair deletion in Intron 4 of the GALNS gene that results in a frameshift and premature truncation of the protein 382 amino acids downstream to codon 141 was detected. The observed variant c.423-11_425del (p.Trp141CysfsTer382) in intron has not been reported in the 1000 genomes and gnomAD databases. The in-silico prediction of the variant is disease causing by Mutation Taster. In summary, the variant meets our criteria to be classified as pathogenic.

Literature cited by the submitters: PubMed 16199547 (cited by Labcorp Genetics (formerly Invitae), Labcorp); PubMed 12442278 (cited by Labcorp Genetics (formerly Invitae), Labcorp); PubMed 20574428 (cited by Labcorp Genetics (formerly Invitae), Labcorp); PubMed 25252036 (cited by Labcorp Genetics (formerly Invitae), Labcorp); PubMed 25545067 (cited by Labcorp Genetics (formerly Invitae), Labcorp); PubMed 29731656 (cited by Labcorp Genetics (formerly Invitae), Labcorp); PubMed 30094185 (cited by Labcorp Genetics (formerly Invitae), Labcorp).

NM_000512.5(GALNS):c.423-11_425del

Gene: GALNS (galactosamine (N-acetyl)-6-sulfatase; minus strand). Cytogenetic location: 16q24.3.
Variant type: Deletion.
Coding change: c.423-11_425del on transcript NM_000512.5 (MANE Select); 11 bases into the intron before coding-DNA position 423 through coding-DNA position 425, 14 bases deleted (CCTGTTTCCAGGCA).
Molecular consequence: splice acceptor variant.
Genome position (GRCh38, 1-based): chr16:88,837,763-88,837,776, TGCCTGGAAACAGG deleted on the plus strand (CCTGTTTCCAGGCA on the coding strand, the reverse complement: GALNS is on the minus strand). VCF-style (leftmost placement, unchanged base first): chr16-88837762-ATGCCTGGAAACAGG-A. GRCh37 (hg19) VCF-style: chr16-88904170-ATGCCTGGAAACAGG-A.
Other names: p.Trp141CysfsTer3; c.-133-11_-131del (NM_001323543.2); c.441-11_443del (NM_001323544.2).
Identifiers: ClinVar variation 2571592 (VCV002571592.5), dbSNP rs2543550306, ClinGen allele CA2580613921.
Genomic context (GRCh38, chr16:88,837,762, plus strand): 5'-GGATCCAAACCACTCATCAAATCCGTGCTTCAGGGGGTGGAACTGGGGCCTGTGACCCAG[ATGCCTGGAAACAGG>A]AACCCAGGACACTTCAGGGACCCCACGTGGGGACACTCGGAAGTTCTGAGCAGCAACAGA-3'